The following is an entry in ClinVar:

NM_004260.4(RECQL4):c.1514G>A (p.Gly505Asp)

Gene: RECQL4 (RecQ like helicase 4; minus strand). Cytogenetic location: 8q24.3.
Variant type: single nucleotide variant.
Coding change: c.1514G>A on transcript NM_004260.4 (MANE Select); coding-DNA position 1514, G replaced by A.
Protein change: p.Gly505Asp; replaces glycine 505 with aspartic acid.
Molecular consequence: missense variant.
Genome position (GRCh38, 1-based): chr8:144,515,042, C>T on the plus strand (G>A on the coding strand, the complement: RECQL4 is on the minus strand). VCF-style: chr8-144515042-C-T. GRCh37 (hg19) VCF-style: chr8-145740426-C-T.
Other names: short protein forms G505D.
Identifiers: ClinVar variation 407000 (VCV000407000.1), dbSNP rs1004394987, ClinGen allele CA16612536.

ClinVar aggregate classification (germline): Uncertain significance (1 of 4 stars; one submission).

Conditions:
Baller-Gerold syndrome (BGS). Also called: CRANIOSYNOSTOSIS WITH RADIAL DEFECTS. Identifiers: Orphanet 1225, MedGen C0265308, MONDO:0009039, OMIM 218600.

Allele frequency attached by ClinVar (database versions not stated): gnomAD exomes below 0.00001.
gnomAD v4.1: 3 of 1,609,790 alleles (0.00019%); highest among the groups gnomAD compares: Non-Finnish European, 0.00025%; no homozygotes.

Submission:

Labcorp Genetics (formerly Invitae), Labcorp
Classification: Uncertain significance for Baller-Gerold syndrome. Last evaluated: 2016-10-24. Review status: criteria provided, single submitter. Criteria: Invitae Variant Classification Sherloc (09022015). Collection method: clinical testing. Allele origin: germline.
Comment: This sequence change replaces glycine with aspartic acid at codon 505 of the RECQL4 protein (p.Gly505Asp). The glycine residue is highly conserved and there is a moderate physicochemical difference between glycine and aspartic acid. This variant is not present in population databases (ExAC no frequency) and has not been reported in the literature in individuals with a RECQL4-related disease. Algorithms developed to predict the effect of missense changes on protein structure and function (SIFT, PolyPhen-2, Align-GVGD) all suggest that this variant is likely to be disruptive, but these predictions have not been confirmed by published functional studies. In summary, this variant is a novel missense change with uncertain impact on protein function. It has been classified as a Variant of Uncertain Significance.